The following is an entry in ClinVar:

NM_001083962.2(TCF4):c.1310A>G (p.Tyr437Cys)

Gene: TCF4 (transcription factor 4; minus strand). Cytogenetic location: 18q21.2.
Variant type: single nucleotide variant.
Coding change: c.1310A>G on transcript NM_001083962.2 (MANE Select); coding-DNA position 1310, A replaced by G.
Protein change: p.Tyr437Cys; replaces tyrosine 437 with cysteine.
Molecular consequence: missense variant.
Genome position (GRCh38, 1-based): chr18:55,254,537, T>C on the plus strand (A>G on the coding strand, the complement: TCF4 is on the minus strand). VCF-style: chr18-55254537-T-C. GRCh37 (hg19) VCF-style: chr18-52921768-T-C.
Other names: c.1307A>G, p.Tyr436Cys (NM_001369570.1, NM_001369573.1, NM_001369574.1 and 2 more transcripts); c.1310A>G, p.Tyr437Cys (NM_001369571.1, NM_001369572.1, NM_001369567.1 and 2 more transcripts); c.1238A>G, p.Tyr413Cys (NM_001369575.1, NM_001306207.1, NM_001243227.2 and 5 more transcripts); c.1235A>G, p.Tyr412Cys (NM_001369576.1, NM_001369577.1, NM_001369578.1 and 6 more transcripts); c.830A>G, p.Tyr277Cys (NM_001243235.2, NM_001243236.2, NM_001243234.2 and 1 more transcripts); c.1097A>G, p.Tyr366Cys (NM_001306208.1, NM_001243232.1); c.920A>G, p.Tyr307Cys (NM_001330605.3, NM_001348212.2, NM_001348213.2 and 1 more transcripts); c.1184A>G, p.Tyr395Cys (NM_001348211.2, NM_001243231.2); and 6 more; short protein forms Y414C, Y277C, Y221C, Y366C, Y395C, Y412C, Y539C, Y276C.
Identifiers: ClinVar variation 4739928 (VCV004739928.1).

ClinVar aggregate classification (germline): Uncertain significance (1 of 4 stars; one submission).

Conditions:
Pitt-Hopkins syndrome (PTHS). Also called: ENCEPHALOPATHY, SEVERE EPILEPTIC, WITH AUTONOMIC DYSFUNCTION; MENTAL RETARDATION, SYNDROMAL, WITH INTERMITTENT HYPERVENTILATION. Identifiers: Orphanet 2896, MedGen C1970431, MONDO:0012589, OMIM 610954.

gnomAD v4.1: 3 of 1,613,690 alleles (0.00019%); highest among the groups gnomAD compares: African/African-American, 0.0027%; no homozygotes.

Submission:

Labcorp Genetics (formerly Invitae), Labcorp
Classification: Uncertain significance for Pitt-Hopkins syndrome. Last evaluated: 2025-04-01. Review status: criteria provided, single submitter. Criteria: Invitae Variant Classification Sherloc (09022015). Collection method: clinical testing. Allele origin: germline.
Comment: This sequence change replaces tyrosine, which is neutral and polar, with cysteine, which is neutral and slightly polar, at codon 437 of the TCF4 protein (p.Tyr437Cys). This variant is present in population databases (rs752756616, gnomAD 0.003%). This variant has not been reported in the literature in individuals affected with TCF4-related conditions. Invitae Evidence Modeling of protein sequence and biophysical properties (such as structural, functional, and spatial information, amino acid conservation, physicochemical variation, residue mobility, and thermodynamic stability) indicates that this missense variant is not expected to disrupt TCF4 protein function with a negative predictive value of 80%. In summary, the available evidence is currently insufficient to determine the role of this variant in disease. Therefore, it has been classified as a Variant of Uncertain Significance.